The following is an entry in ClinVar:

NM_018941.4(CLN8):c.359C>T (p.Ala120Val)

Gene: CLN8 (CLN8 transmembrane ER and ERGIC protein; plus strand). Cytogenetic location: 8p23.3.
Variant type: single nucleotide variant.
Coding change: c.359C>T on transcript NM_018941.4 (MANE Select); coding-DNA position 359, C replaced by T.
Protein change: p.Ala120Val; replaces alanine 120 with valine.
Molecular consequence: missense variant.
Genome position (GRCh38, 1-based): chr8:1,771,413, C>T. VCF-style: chr8-1771413-C-T. GRCh37 (hg19) VCF-style: chr8-1719579-C-T.
Other names: short protein forms A120V.
Identifiers: ClinVar variation 2083864 (VCV002083864.1), dbSNP rs2486441232, ClinGen allele CA369953406.

ClinVar aggregate classification (germline): Uncertain significance (1 of 4 stars; one submission).

Conditions:
Neuronal ceroid lipofuscinosis. Also called: Neuronal Ceroid Lipofuscinoses. Identifiers: Orphanet 216, Orphanet 79263, MedGen C0027877, MONDO:0016295. Disease mechanism: loss of function.

Allele frequency attached by ClinVar (database versions not stated): gnomAD exomes below 0.00001.
gnomAD v4.1: 2 of 1,614,182 alleles (0.00012%); highest among the groups gnomAD compares: South Asian, 0.0022%; no homozygotes.

Submission:

Labcorp Genetics (formerly Invitae), Labcorp
Classification: Uncertain significance for Neuronal ceroid lipofuscinosis. Last evaluated: 2022-07-19. Review status: criteria provided, single submitter. Criteria: Invitae Variant Classification Sherloc (09022015). Collection method: clinical testing. Allele origin: germline.
Comment: This sequence change replaces alanine, which is neutral and non-polar, with valine, which is neutral and non-polar, at codon 120 of the CLN8 protein (p.Ala120Val). This variant is not present in population databases (gnomAD no frequency). This variant has not been reported in the literature in individuals affected with CLN8-related conditions. Algorithms developed to predict the effect of missense changes on protein structure and function are either unavailable or do not agree on the potential impact of this missense change (SIFT: "Deleterious"; PolyPhen-2: "Possibly Damaging"; Align-GVGD: "Class C0"). In summary, the available evidence is currently insufficient to determine the role of this variant in disease. Therefore, it has been classified as a Variant of Uncertain Significance.